The following is an entry in ClinVar:

NM_012470.4(TNPO3):c.321+1G>T

Gene: TNPO3 (transportin 3; minus strand). Cytogenetic location: 7q32.1.
Variant type: single nucleotide variant.
Coding change: c.321+1G>T on transcript NM_012470.4 (MANE Select); the canonical splice donor site of the intron after coding-DNA position 321, G replaced by T.
Molecular consequence: splice donor variant.
Genome position (GRCh38, 1-based): chr7:129,017,956, C>A on the plus strand (G>T on the coding strand, the complement: TNPO3 is on the minus strand). VCF-style: chr7-129017956-C-A. GRCh37 (hg19) VCF-style: chr7-128658010-C-A.
Other names: c.321+1G>T (NM_001382221.1, NM_001382222.1, NM_001382219.1 and 6 more transcripts).
Identifiers: ClinVar variation 1705181 (VCV001705181.1), dbSNP rs2536427807, ClinGen allele CA369248050.

ClinVar aggregate classification (germline): Uncertain significance (1 of 4 stars; one submission).

Submission:

Women's Health and Genetics/Laboratory Corporation of America, LabCorp
Classification: Uncertain significance. Last evaluated: 2022-08-23. Review status: criteria provided, single submitter. Criteria: LabCorp Variant Classification Summary - May 2015. Collection method: clinical testing. Allele origin: germline.
Comment: Variant summary: TNPO3 c.321+1G>T is located in a canonical splice-site and is predicted to affect mRNA splicing resulting in a significantly altered protein due to either exon skipping, shortening, or inclusion of intronic material. Several computational tools predict a significant impact on normal splicing: Four predict the variant abolishes a 5' splicing donor site. However, these predictions have yet to be confirmed by functional studies. The variant was absent in 251180 control chromosomes (gnomAD). The available data on variant occurrences in the general population are insufficient to allow any conclusion about variant significance. To our knowledge, no occurrence of c.321+1G>T in individuals affected with Autosomal Dominant Limb-Girdle Muscular Dystrophy Type 1F and no experimental evidence demonstrating its impact on protein function have been reported. No clinical diagnostic laboratories have submitted clinical-significance assessments for this variant to ClinVar after 2014. Based on the evidence outlined above, the variant was classified as uncertain significance.